The following is an entry in ClinVar:

ClinVar aggregate classification (germline): Uncertain significance (1 of 4 stars; one submission).

Submission:

Labcorp Genetics (formerly Invitae), Labcorp
Classification: Uncertain significance. Last evaluated: 2022-01-06. Review status: criteria provided, single submitter. Criteria: Invitae Variant Classification Sherloc (09022015). Collection method: clinical testing. Allele origin: germline.
Comment: This sequence change replaces leucine, which is neutral and non-polar, with phenylalanine, which is neutral and non-polar, at codon 1579 of the DMXL2 protein (p.Leu1579Phe). This variant is not present in population databases (gnomAD no frequency). In summary, the available evidence is currently insufficient to determine the role of this variant in disease. Therefore, it has been classified as a Variant of Uncertain Significance. Algorithms developed to predict the effect of missense changes on protein structure and function are either unavailable or do not agree on the potential impact of this missense change (SIFT: "Deleterious"; PolyPhen-2: "Probably Damaging"; Align-GVGD: "Class C0"). This variant has not been reported in the literature in individuals affected with DMXL2-related conditions.

NM_001378457.1(DMXL2):c.4735C>T (p.Leu1579Phe)

Gene: DMXL2 (Dmx like 2; minus strand). Cytogenetic location: 15q21.2.
Variant type: single nucleotide variant.
Coding change: c.4735C>T on transcript NM_001378457.1 (MANE Select); coding-DNA position 4735, C replaced by T.
Protein change: p.Leu1579Phe; replaces leucine 1579 with phenylalanine.
Molecular consequence: missense variant. On other transcripts: non-coding transcript variant (2), intron variant (1).
Genome position (GRCh38, 1-based): chr15:51,495,072, G>A on the plus strand (C>T on the coding strand, the complement: DMXL2 is on the minus strand). VCF-style: chr15-51495072-G-A. GRCh37 (hg19) VCF-style: chr15-51787269-G-A.
Other names: c.4735C>T, p.Leu1579Phe (NM_001174116.3, NM_001378458.1, NM_001378459.1 and 4 more transcripts); c.2827C>T, p.Leu943Phe (NM_001174117.3); c.4495C>T, p.Leu1499Phe (NM_001378464.1); c.2765-3325C>T (NM_001378460.1); short protein forms L1499F, L1579F, L943F.
Identifiers: ClinVar variation 2076845 (VCV002076845.4), dbSNP rs2548494700, ClinGen allele CA392430038.